The following is an entry in ClinVar:

NM_001384732.1(CPLANE1):c.2528_2529del (p.Ser842_Tyr843insTer)

Gene: CPLANE1 (ciliogenesis and planar polarity effector complex subunit 1; minus strand). Cytogenetic location: 5p13.2.
Variant type: Microsatellite.
Coding change: c.2528_2529del on transcript NM_001384732.1 (MANE Select); coding-DNA positions 2528 to 2529, 2 bases deleted (AT; older notation c.2528_2529delAT).
Protein change: p.Ser842_Tyr843insTer.
Molecular consequence: nonsense.
Genome position (GRCh38, 1-based): chr5:37,224,305-37,224,306, AT deleted on the plus strand (AT on the coding strand, the reverse complement: CPLANE1 is on the minus strand); deleting any 2 consecutive bases within chr5:37,224,305-37,224,308 gives the same sequence; the c. name uses the placement nearest the transcript's 3' end. VCF-style (leftmost placement, unchanged base first): chr5-37224304-CAT-C. GRCh37 (hg19) VCF-style: chr5-37224406-CAT-C.
Other names: c.2528_2529del, p.Ser842_Tyr843insTer (NM_023073.4).
Identifiers: ClinVar variation 2714193 (VCV002714193.3), dbSNP rs2548540870, ClinGen allele CA2697547130.

ClinVar aggregate classification (germline): Pathogenic (1 of 4 stars; one submission).

Submission:

Labcorp Genetics (formerly Invitae), Labcorp
Classification: Pathogenic. Last evaluated: 2024-01-30. Review status: criteria provided, single submitter. Criteria: Invitae Variant Classification Sherloc (09022015). Collection method: clinical testing. Allele origin: germline.
Comment: This sequence change creates a premature translational stop signal (p.Tyr843*) in the CPLANE1 gene. It is expected to result in an absent or disrupted protein product. Loss-of-function variants in CPLANE1 are known to be pathogenic (PMID: 24178751, 26092869). This variant is not present in population databases (gnomAD no frequency). This variant has not been reported in the literature in individuals affected with CPLANE1-related conditions. For these reasons, this variant has been classified as Pathogenic.

Literature cited by the submitters: PubMed 24178751; PubMed 26092869.